The following is an entry in ClinVar:

NM_001032283.3(TMPO):c.565+1598G>T

Gene: TMPO (thymopoietin; plus strand). Cytogenetic location: 12q23.1.
Variant type: single nucleotide variant.
Coding change: c.565+1598G>T on transcript NM_001032283.3 (MANE Select); 1598 bases into the intron after coding-DNA position 565, G replaced by T.
Molecular consequence: intron variant. On other transcripts: missense variant (1).
Genome position (GRCh38, 1-based): chr12:98,533,436, G>T. VCF-style: chr12-98533436-G-T. GRCh37 (hg19) VCF-style: chr12-98927214-G-T.
Other names: c.1179G>T, p.Leu393Phe (NM_003276.2); c.565+1598G>T (NM_001307975.2, NM_001032284.3); short protein forms L393F.
Identifiers: ClinVar variation 1741599 (VCV001741599.2), dbSNP rs548972571, ClinGen allele CA6732376.

ClinVar aggregate classification (germline): Uncertain significance (1 of 4 stars; one submission).

Allele frequency attached by ClinVar (database versions not stated): TOPMed below 0.00001; gnomAD 0.00002; gnomAD exomes 0.00002; ExAC 0.00005; 1000 Genomes Project 30x 0.00016; 1000 Genomes Project 0.00020.
gnomAD v4.1: 29 of 1,614,166 alleles (0.0018%); highest among the groups gnomAD compares: East Asian, 0.065%; 1 homozygote.

Submission:

Ambry Genetics
Classification: Uncertain significance. Last evaluated: 2021-09-30. Review status: criteria provided, single submitter. Criteria: Ambry Variant Classification Scheme 2023. Collection method: clinical testing. Allele origin: germline.
Comment: The p.L393F variant (also known as c.1179G>T), located in coding exon 4 of the TMPO gene, results from a G to T substitution at nucleotide position 1179. The leucine at codon 393 is replaced by phenylalanine, an amino acid with highly similar properties. This amino acid position is conserved. In addition, this alteration is predicted to be tolerated by in silico analysis. Since supporting evidence is limited at this time, the clinical significance of this alteration remains unclear.